The following is an entry in ClinVar:

NM_000077.5(CDKN2A):c.123G>C (p.Pro41=)

Gene: CDKN2A (cyclin dependent kinase inhibitor 2A; minus strand). Cytogenetic location: 9p21.3.
Variant type: single nucleotide variant.
Coding change: c.123G>C on transcript NM_000077.5; coding-DNA position 123, G replaced by C.
Protein change: p.Pro41=; no amino-acid change (proline 41 retained).
Molecular consequence: synonymous variant (on NM_000077.6). On other transcripts: intron variant (2).
Genome position (GRCh38, 1-based): chr9:21,974,705, C>G on the plus strand (G>C on the coding strand, the complement: CDKN2A is on the minus strand). VCF-style: chr9-21974705-C-G. GRCh37 (hg19) VCF-style: chr9-21974704-C-G.
Other names: c.123G>C, p.Pro41= (NM_000077.6, NM_001195132.2, NM_058197.5); c.-3-3497G>C (NM_001363763.2); c.194-3497G>C (NM_058195.4).
Identifiers: ClinVar variation 2891234 (VCV002891234.4), dbSNP rs754366579, ClinGen allele CA464100125.

ClinVar aggregate classification (germline): Benign/Likely benign. Review status: criteria provided, multiple submitters, no conflicts (2 of 4 stars). 2 submissions from 2 submitters: Benign (1); Likely benign (1). Last evaluated 2025-08-13.

Conditions:
Melanoma-pancreatic cancer syndrome. Identifiers: Orphanet 404560, MedGen C1838547, MONDO:0011713, OMIM 606719. Disease mechanism: loss of function.
Familial melanoma. Also called: Hereditary melanoma; Hereditary cutaneous melanoma. Identifiers: Orphanet 618, MedGen C1512419, MONDO:0018961.

Submissions (2):

Myriad Genetics, Inc.
Classification: Benign for Melanoma-pancreatic cancer syndrome. Last evaluated: 2025-08-13. Review status: criteria provided, single submitter. Criteria: Myriad Autosomal Dominant, Autosomal Recessive and X-Linked Classification Criteria (2023). Collection method: clinical testing. Allele origin: unknown.
Comment: This variant is considered benign. This variant is a silent/synonymous amino acid change and it is not expected to impact splicing.

Labcorp Genetics (formerly Invitae), Labcorp
Classification: Likely benign for Familial melanoma. Last evaluated: 2022-11-07. Review status: criteria provided, single submitter. Criteria: Invitae Variant Classification Sherloc (09022015). Collection method: clinical testing. Allele origin: germline.